The following is an entry in ClinVar:

NM_001367721.1(CASK):c.819C>G (p.His273Gln)

Gene: CASK (calcium/calmodulin dependent serine protein kinase; minus strand). Cytogenetic location: Xp11.4.
Variant type: single nucleotide variant.
Coding change: c.819C>G on transcript NM_001367721.1 (MANE Select); coding-DNA position 819, C replaced by G.
Protein change: p.His273Gln; replaces histidine 273 with glutamine.
Molecular consequence: missense variant.
Genome position (GRCh38, 1-based): chrX:41,660,451, G>C on the plus strand (C>G on the coding strand, the complement: CASK is on the minus strand). VCF-style: chrX-41660451-G-C. GRCh37 (hg19) VCF-style: chrX-41519704-G-C.
Other names: c.819C>G, p.His273Gln (NM_001126054.3, NM_001126055.3, NM_001410745.1 and 1 more transcripts); short protein forms H273Q.
Identifiers: ClinVar variation 3730401 (VCV003730401.2).

ClinVar aggregate classification (germline): Uncertain significance (1 of 4 stars; one submission).

Conditions:
Intellectual disability, CASK-related, X-linked. Identifiers: MedGen CN043158.

Submission:

Labcorp Genetics (formerly Invitae), Labcorp
Classification: Uncertain significance for Intellectual disability, CASK-related, X-linked. Last evaluated: 2024-09-25. Review status: criteria provided, single submitter. Criteria: Invitae Variant Classification Sherloc (09022015). Collection method: clinical testing. Allele origin: germline.
Comment: This sequence change replaces histidine, which is basic and polar, with glutamine, which is neutral and polar, at codon 273 of the CASK protein (p.His273Gln). This variant is not present in population databases (gnomAD no frequency). This variant has not been reported in the literature in individuals affected with CASK-related conditions. Invitae Evidence Modeling of protein sequence and biophysical properties (such as structural, functional, and spatial information, amino acid conservation, physicochemical variation, residue mobility, and thermodynamic stability) has been performed for this missense variant. However, the output from this modeling did not meet the statistical confidence thresholds required to predict the impact of this variant on CASK protein function. In summary, the available evidence is currently insufficient to determine the role of this variant in disease. Therefore, it has been classified as a Variant of Uncertain Significance.